The following is an entry in ClinVar:

ClinVar aggregate classification (germline): Likely pathogenic (1 of 4 stars; one submission).

Conditions:
Diabetes insipidus, nephrogenic, X-linked. Also called: Nephrogenic Diabetes Insipidus, Type I. Identifiers: Orphanet 223, MedGen C1563705, MONDO:0010581, OMIM 304800.

Submission:

UAEU Genomics Laboratory, United Arab Emirates University
Classification: Likely pathogenic for Diabetes insipidus, nephrogenic, X-linked. Last evaluated: 2024-11-18. Review status: criteria provided, single submitter. Criteria: ACMG Guidelines, 2015. Collection method: research. Allele origin: germline. Affected: yes. Observed: 1 variant allele.
Comment: PM2, PM1, PM4, PP3

NM_000054.7(AVPR2):c.859TTC[1] (p.Phe288del)

Gene: AVPR2 (arginine vasopressin receptor 2; plus strand). Cytogenetic location: Xq28.
Variant type: Microsatellite.
Coding change: c.859TTC[1] on transcript NM_000054.7 (MANE Select); one copy of the 3-base unit TTC starting at c.859; the reference has two copies in a row; one copy, 3 bases deleted.
Protein change: p.Phe288del; deletes phenylalanine 288.
Molecular consequence: inframe deletion. On other transcripts: non-coding transcript variant (1).
Genome position (GRCh38, 1-based): chrX:153,906,368-153,906,370, TTC deleted; deleting any 3 consecutive bases within chrX:153,906,364-153,906,370 gives the same sequence; the position shown is the placement nearest the transcript's 3' end. VCF-style (leftmost placement, unchanged base first): chrX-153906363-CCTT-C. GRCh37 (hg19) VCF-style: chrX-153171817-CCTT-C.
Other names: c.859TTC[1], p.Phe288del (NM_001146151.3); c.862_864delTTC (NM_000054.7); short protein forms F288del.
Identifiers: ClinVar variation 5042556 (VCV005042556.1).